The following is an entry in ClinVar:

ClinVar aggregate classification (germline): Uncertain significance. Review status: criteria provided, multiple submitters, no conflicts (2 of 4 stars). 2 submissions from 2 submitters: Uncertain significance (2). Last evaluated 2023-01-12.

Conditions:
Inborn genetic diseases. Identifiers: MedGen C0950123, MeSH D030342.

Submissions (2):

GeneDx
Classification: Uncertain significance. Last evaluated: 2023-01-12. Review status: criteria provided, single submitter. Criteria: GeneDx Variant Classification Process June 2021. Collection method: clinical testing. Allele origin: germline. Affected: yes.
Comment: Not observed at significant frequency in large population cohorts (gnomAD); In silico analysis supports that this missense variant has a deleterious effect on protein structure/function; Has not been previously published as pathogenic or benign to our knowledge

Ambry Genetics
Classification: Uncertain significance for Inborn genetic diseases. Last evaluated: 2022-01-28. Review status: criteria provided, single submitter. Criteria: Ambry Variant Classification Scheme 2023. Collection method: clinical testing. Allele origin: germline.
Comment: The c.8270G>T (p.S2757I) alteration is located in exon 38 (coding exon 37) of the CHD7 gene. This alteration results from a G to T substitution at nucleotide position 8270, causing the serine (S) at amino acid position 2757 to be replaced by an isoleucine (I). The in silico prediction for this alteration is inconclusive. Based on insufficient or conflicting evidence, the clinical significance of this alteration remains unclear.

NM_017780.4(CHD7):c.8270G>T (p.Ser2757Ile)

Gene: CHD7 (chromodomain helicase DNA binding protein 7; plus strand). Cytogenetic location: 8q12.2.
Variant type: single nucleotide variant.
Coding change: c.8270G>T on transcript NM_017780.4 (MANE Select); coding-DNA position 8270, G replaced by T.
Protein change: p.Ser2757Ile; replaces serine 2757 with isoleucine.
Molecular consequence: missense variant.
Genome position (GRCh38, 1-based): chr8:60,865,209, G>T. VCF-style: chr8-60865209-G-T. GRCh37 (hg19) VCF-style: chr8-61777768-G-T.
Other names: c.2123G>T, p.Ser708Ile (NM_001316690.1); short protein forms S708I, S2757I.
Identifiers: ClinVar variation 2268366 (VCV002268366.3), dbSNP rs1806183315, ClinGen allele CA371308034.